The following is an entry in ClinVar:

NM_138959.3(VANGL1):c.*6321T>G

Gene: VANGL1 (VANGL planar cell polarity protein 1; plus strand). Cytogenetic location: 1p13.1.
Variant type: single nucleotide variant.
Coding change: c.*6321T>G on transcript NM_138959.3 (MANE Select); 6321 bases downstream of the stop codon, T replaced by G.
Molecular consequence: 3 prime UTR variant.
Genome position (GRCh38, 1-based): chr1:115,697,700, T>G. VCF-style: chr1-115697700-T-G. GRCh37 (hg19) VCF-style: chr1-116240321-T-G.
Other names: c.*6321T>G (NM_001172411.2, NM_001172412.2).
Identifiers: ClinVar variation 292107 (VCV000292107.8), dbSNP rs77318780, ClinGen allele CA10607588.

ClinVar aggregate classification (germline): Benign/Likely benign. Review status: criteria provided, multiple submitters, no conflicts (2 of 4 stars). 3 submissions from 2 submitters: Benign (2); Likely benign (1). Last evaluated 2018-01-13.

Conditions:
Sacral defect with anterior meningocele. Identifiers: MedGen C1838568, OMIM 600145.
Neural tube defect (NTD). Also called: Neural tube defects. Identifiers: Orphanet 3388, Orphanet 823, MedGen C0027794, MONDO:0018075, HP:0045005.

Allele frequency attached by ClinVar (database versions not stated): gnomAD 0.06169 and 0.06251; TOPMed 0.06455; 1000 Genomes Project 0.07228; 1000 Genomes Project 30x 0.07480.

Submissions (3):

Illumina Laboratory Services, Illumina
Classification: Benign for Neural tube defects, susceptibility to. Last evaluated: 2018-01-13. Review status: criteria provided, single submitter. Criteria: ICSL Variant Classification Criteria 13 December 2019. Collection method: clinical testing. Allele origin: germline.
Comment: This variant was observed in the ICSL laboratory as part of a predisposition screen in an ostensibly healthy population. It had not been previously curated by ICSL or reported in the Human Gene Mutation Database (HGMD: prior to June 1st, 2018), and was therefore a candidate for classification through an automated scoring system. Utilizing variant allele frequency, disease prevalence and penetrance estimates, and inheritance mode, an automated score was calculated to assess if this variant is too frequent to cause the disease. Based on the score and internal cut-off values, a variant classified as benign is not then subjected to further curation. The score for this variant resulted in a classification of benign for this disease.

Illumina Laboratory Services, Illumina
Classification: Benign for Sacral defect with anterior meningocele. Last evaluated: 2018-01-13. Review status: criteria provided, single submitter. Criteria: ICSL Variant Classification Criteria 13 December 2019. Collection method: clinical testing. Allele origin: germline.
Comment: the same text as in the submission from Illumina Laboratory Services, Illumina above.

Breakthrough Genomics
Classification: Likely benign. Review status: criteria provided, single submitter. Criteria: ACMG Guidelines, 2015. Collection method: not provided. Allele origin: germline. Inheritance: Autosomal dominant inheritance. Affected: yes.